The following is an entry in ClinVar:

ClinVar aggregate classification (germline): Benign/Likely benign. Review status: criteria provided, multiple submitters, no conflicts (2 of 4 stars). 3 submissions from 3 submitters: Benign (2); Likely benign (1). Last evaluated 2024-03-16.

Conditions:
Early-infantile DEE. Also called: Ohtahara syndrome; Early infantile epileptic encephalopathy; Early infantile epileptic encephalopathy with suppression bursts. Identifiers: Orphanet 1934, MedGen C0393706, MONDO:0800491.
Developmental and epileptic encephalopathy, 5 (DEE5). Identifiers: Orphanet 3451, MedGen C3150731, MONDO:0013277, OMIM 613477.

Allele frequency attached by ClinVar (database versions not stated): gnomAD exomes below 0.00001; ExAC 0.00001; gnomAD 0.00012; TOPMed 0.00018.

Submissions (3):

Labcorp Genetics (formerly Invitae), Labcorp
Classification: Benign for Early-infantile DEE. Last evaluated: 2024-03-16. Review status: criteria provided, single submitter. Criteria: Invitae Variant Classification Sherloc (09022015). Collection method: clinical testing. Allele origin: germline.

Genome-Nilou Lab
Classification: Benign for Developmental and epileptic encephalopathy, 5. Last evaluated: 2021-07-15. Review status: criteria provided, single submitter. Criteria: ACMG Guidelines, 2015. Collection method: clinical testing. Allele origin: germline. Affected: no.

GeneDx
Classification: Likely benign. Last evaluated: 2016-04-19. Review status: criteria provided, single submitter. Criteria: GeneDx Variant Classification (06012015). Collection method: clinical testing. Allele origin: germline. Affected: yes.
Comment: This variant is considered likely benign or benign based on one or more of the following criteria: it is a conservative change, it occurs at a poorly conserved position in the protein, it is predicted to be benign by multiple in silico algorithms, and/or has population frequency not consistent with disease.

NM_001130438.3(SPTAN1):c.413T>C (p.Met138Thr)

Gene: SPTAN1 (spectrin alpha, non-erythrocytic 1; plus strand). Cytogenetic location: 9q34.11.
Variant type: single nucleotide variant.
Coding change: c.413T>C on transcript NM_001130438.3 (MANE Select); coding-DNA position 413, T replaced by C.
Protein change: p.Met138Thr; replaces methionine 138 with threonine.
Molecular consequence: missense variant.
Genome position (GRCh38, 1-based): chr9:128,574,724, T>C. VCF-style: chr9-128574724-T-C. GRCh37 (hg19) VCF-style: chr9-131337003-T-C.
Other names: p.M138T:ATG>ACG; c.413T>C, p.Met138Thr (NM_001195532.2, NM_001363759.2, NM_001363765.2 and 1 more transcripts); short protein forms M138T.
Identifiers: ClinVar variation 207312 (VCV000207312.14), dbSNP rs767527240, ClinGen allele CA318656.